The following is an entry in ClinVar:

ClinVar aggregate classification (germline): Likely benign (1 of 4 stars; one submission).

Allele frequency attached by ClinVar (database versions not stated): gnomAD 0.00006; ESP Exome Variant Server 0.00023.
gnomAD v4.1: 43 of 1,612,524 alleles (0.0027%); highest among the groups gnomAD compares: Admixed American, 0.018%; no homozygotes.

Submission:

CeGaT Center for Human Genetics Tuebingen
Classification: Likely benign. Last evaluated: 2024-02-01. Review status: criteria provided, single submitter. Criteria: CeGaT Center For Human Genetics Tuebingen Variant Classification Criteria Version 2. Collection method: clinical testing. Allele origin: germline. Affected: yes. Observed: 1 variant allele.
Comment: ATP6V1B2: BP4, BP7

NM_001693.4(ATP6V1B2):c.657A>G (p.Val219=)

Gene: ATP6V1B2 (ATPase H+ transporting V1 subunit B2; plus strand). Cytogenetic location: 8p21.3.
Variant type: single nucleotide variant.
Coding change: c.657A>G on transcript NM_001693.4 (MANE Select); coding-DNA position 657, A replaced by G.
Protein change: p.Val219=; no amino-acid change (valine 219 retained).
Molecular consequence: synonymous variant.
Genome position (GRCh38, 1-based): chr8:20,211,705, A>G. VCF-style: chr8-20211705-A-G. GRCh37 (hg19) VCF-style: chr8-20069216-A-G.
Identifiers: ClinVar variation 3026299 (VCV003026299.22), dbSNP rs139800942, ClinGen allele CA4656918.
Genomic context (GRCh38, chr8:20,211,705, plus strand): 5'-TCATCAGATTGCAGCTCAGATCTGTCGCCAGGCTGGTTTGGTAAAGAAATCCAAAGATGT[A>G]GTAGACTACAGTGAGGAAAATTTTGCAATTGTATTTGCTGCTATGGGTGTAAGTAGAATT-3'
Protein context (NP_001684.2, residues 209-229): QAGLVKKSKD[Val219=]VDYSEENFAI